The following is an entry in ClinVar:

NM_177924.5(ASAH1):c.95G>T (p.Arg32Ile)

Gene: ASAH1 (N-acylsphingosine amidohydrolase 1; minus strand). Cytogenetic location: 8p22.
Variant type: single nucleotide variant.
Coding change: c.95G>T on transcript NM_177924.5 (MANE Select); coding-DNA position 95, G replaced by T.
Protein change: p.Arg32Ile; replaces arginine 32 with isoleucine.
Molecular consequence: missense variant. On other transcripts: 5 prime UTR variant (1).
Genome position (GRCh38, 1-based): chr8:18,075,571, C>A on the plus strand (G>T on the coding strand, the complement: ASAH1 is on the minus strand). VCF-style: chr8-18075571-C-A. GRCh37 (hg19) VCF-style: chr8-17933080-C-A.
Other names: c.143G>T, p.Arg48Ile (NM_001127505.3, NM_004315.6); c.-101G>T (NM_001363743.2); short protein forms R32I, R48I.
Identifiers: ClinVar variation 1368824 (VCV001368824.8), dbSNP rs1800369673, ClinGen allele CA370434628.
Genomic context (GRCh38, chr8:18,075,571, plus strand): 5'-GGGAGTTTTGATCATCTGATGTTTACTCACGTTGGTCCTGAAGGAGGATAGGTTGATTTT[C>A]TGCAGTCCTCTGTCCACTGAAAAGCAAAGAAAATTAAGTTTCAGAAAATAACAAATGCTT-3'
Protein context (NP_808592.2, residues 22-42): QHAPPWTEDC[Arg32Ile]KSTYPPSGPT

ClinVar aggregate classification (germline): Uncertain significance (1 of 4 stars; one submission).

Submission:

Labcorp Genetics (formerly Invitae), Labcorp
Classification: Uncertain significance. Last evaluated: 2022-07-26. Review status: criteria provided, single submitter. Criteria: Invitae Variant Classification Sherloc (09022015). Collection method: clinical testing. Allele origin: germline.
Comment: In summary, the available evidence is currently insufficient to determine the role of this variant in disease. Therefore, it has been classified as a Variant of Uncertain Significance. Algorithms developed to predict the effect of missense changes on protein structure and function (SIFT, PolyPhen-2, Align-GVGD) all suggest that this variant is likely to be tolerated. ClinVar contains an entry for this variant (Variation ID: 1368824). This variant has not been reported in the literature in individuals affected with ASAH1-related conditions. This variant is not present in population databases (gnomAD no frequency). This sequence change replaces arginine, which is basic and polar, with isoleucine, which is neutral and non-polar, at codon 32 of the ASAH1 protein (p.Arg32Ile).